The following is an entry in ClinVar:

NM_006767.4(LZTR1):c.2195T>A (p.Val732Asp)

Gene: LZTR1 (leucine zipper like post translational regulator 1; plus strand). Cytogenetic location: 22q11.21.
Variant type: single nucleotide variant.
Coding change: c.2195T>A on transcript NM_006767.4 (MANE Select); coding-DNA position 2195, T replaced by A.
Protein change: p.Val732Asp; replaces valine 732 with aspartic acid.
Molecular consequence: missense variant.
Genome position (GRCh38, 1-based): chr22:20,996,088, T>A. VCF-style: chr22-20996088-T-A. GRCh37 (hg19) VCF-style: chr22-21350377-T-A.
Other names: short protein forms V732D.
Identifiers: ClinVar variation 3869244 (VCV003869244.1).

ClinVar aggregate classification (germline): Uncertain significance (1 of 4 stars; one submission).

Conditions:
Hereditary cancer-predisposing syndrome. Also called: Hereditary neoplastic syndrome; Neoplastic Syndromes, Hereditary; Tumor predisposition; Hereditary Cancer Syndrome. Identifiers: Orphanet 140162, MedGen C0027672, MeSH D009386, MONDO:0015356.
Cardiovascular phenotype. Identifiers: MedGen CN230736.

Submission:

Ambry Genetics
Classification: Uncertain significance for Cardiovascular phenotype; Hereditary cancer-predisposing syndrome. Last evaluated: 2024-12-20. Review status: criteria provided, single submitter. Criteria: Ambry Variant Classification Scheme 2023. Collection method: clinical testing. Allele origin: germline.
Comment: The p.V732D variant (also known as c.2195T>A), located in coding exon 18 of the LZTR1 gene, results from a T to A substitution at nucleotide position 2195. The valine at codon 732 is replaced by aspartic acid, an amino acid with highly dissimilar properties. This amino acid position is conserved. In addition, this alteration is predicted to be deleterious by in silico analysis. Based on the available evidence, the clinical significance of this variant remains unclear.